The following is an entry in ClinVar:

ClinVar aggregate classification (germline): Uncertain significance (0 of 4 stars; one submission).

Conditions:
SERPINF1-related disorder. Also called: SERPINF1-related condition.

Submission:

PreventionGenetics, part of Exact Sciences
Classification: Uncertain significance for SERPINF1-related condition. Last evaluated: 2023-12-19. Review status: no assertion criteria provided. Collection method: clinical testing. Allele origin: germline.
Comment: The SERPINF1 c.1150T>C variant is predicted to result in the amino acid substitution p.Phe384Leu. To our knowledge, this variant has not been reported in the literature or in a large population database, indicating this variant is rare. At this time, the clinical significance of this variant is uncertain due to the absence of conclusive functional and genetic evidence.

NM_002615.7(SERPINF1):c.1150T>C (p.Phe384Leu)

Gene: SERPINF1 (serpin family F member 1; plus strand). Cytogenetic location: 17p13.3.
Variant type: single nucleotide variant.
Coding change: c.1150T>C on transcript NM_002615.7 (MANE Select); coding-DNA position 1150, T replaced by C.
Protein change: p.Phe384Leu; replaces phenylalanine 384 with leucine.
Molecular consequence: missense variant.
Genome position (GRCh38, 1-based): chr17:1,777,339, T>C. VCF-style: chr17-1777339-T-C. GRCh37 (hg19) VCF-style: chr17-1680633-T-C.
Other names: c.1150T>C, p.Phe384Leu (NM_001329903.2); c.589T>C, p.Phe197Leu (NM_001329904.2, NM_001329905.2); short protein forms F197L, F384L.
Identifiers: ClinVar variation 3047983 (VCV003047983.2), dbSNP rs2543495263, ClinGen allele CA397591081.